The following is an entry in ClinVar:

NM_000535.7(PMS2):c.2174+1G>A

Gene: PMS2 (PMS1 homolog 2, mismatch repair system component; minus strand). Cytogenetic location: 7p22.1.
Variant type: single nucleotide variant.
Coding change: c.2174+1G>A on transcript NM_000535.7 (MANE Select); the canonical splice donor site of the intron after coding-DNA position 2174, G replaced by A.
Molecular consequence: splice donor variant. On other transcripts: intron variant (4).
Genome position (GRCh38, 1-based): chr7:5,982,823, C>T on the plus strand (G>A on the coding strand, the complement: PMS2 is on the minus strand). VCF-style: chr7-5982823-C-T. GRCh37 (hg19) VCF-style: chr7-6022454-C-T.
Other names: IVS12+1G>A; c.1241+1G>A (NM_001322012.2, NM_001322011.2); c.1661+1G>A (NM_001406905.1, NM_001406904.1); c.1613+1G>A (NM_001406906.1, NM_001322010.2, NM_001406907.1); c.1601+3936G>A (NM_001406910.1, NM_001406908.1); c.1769+1G>A (NM_001322003.2, NM_001406887.1, NM_001406895.1 and 14 more transcripts); c.1403+1G>A (NM_001406911.1); c.1856+1G>A (NM_001322008.2, NM_001406883.1, NM_001322007.2 and 1 more transcripts); and 17 more.
Identifiers: ClinVar variation 91329 (VCV000091329.84), dbSNP rs267608172, ClinGen allele CA010965.
Genomic context (GRCh38, chr7:5,982,823, plus strand): 5'-TGGCCTCTATTAGATCTTCAATTTGAGGGGGAGTCTGGGAATGAACACTAAACACACTCA[C>T]GCTATGAGCCTCTGCCCCTGGAGCACGGTGTGCTGCTGCAGCATCTCGAAGTTATACTTC-3'

ClinVar aggregate classification (germline): Pathogenic. Review status: reviewed by expert panel (3 of 4 stars). 19 submissions from 19 submitters: Pathogenic (1). 18 of the submissions do not count toward it. Last evaluated 2014-03-14.

Conditions:
PMS2-related disorder. Also called: PMS2-related condition.
Mismatch repair cancer syndrome 4. Identifiers: MedGen C5436817, MONDO:0030843, OMIM 619101.
Inherited MMR deficiency (Lynch syndrome).
Lynch syndrome 4 (LYNCH4). Also called: Colorectal cancer, hereditary nonpolyposis, type 4; Hereditary non-polyposis colorectal cancer, type 4. Identifiers: Orphanet 144, MedGen C1838333, MONDO:0013699, OMIM 614337. Disease mechanism: loss of function.
Hereditary nonpolyposis colorectal neoplasms. Identifiers: MedGen C0009405, MeSH D003123.
Hereditary cancer-predisposing syndrome. Also called: Neoplastic Syndromes, Hereditary; Tumor predisposition; Hereditary Cancer Syndrome; Hereditary neoplastic syndrome. Identifiers: Orphanet 140162, MedGen C0027672, MeSH D009386, MONDO:0015356.
Breast and/or ovarian cancer. Identifiers: MedGen CN221562.
Lynch syndrome. Identifiers: Orphanet 144, MedGen C4552100, MONDO:0005835. Disease mechanism: loss of function.

Allele frequency attached by ClinVar (database versions not stated): gnomAD 0.00001; gnomAD exomes 0.00001.
gnomAD v4.1: 16 of 1,609,100 alleles (0.00099%); highest among the groups gnomAD compares: South Asian, 0.0033%; no homozygotes.

Submissions 1 to 10 of 22:

International Society for Gastrointestinal Hereditary Tumours (InSiGHT)
Classification: Pathogenic for Lynch Syndrome. Last evaluated: 2014-03-14. Review status: reviewed by expert panel. Criteria: Guidelines v1.9. Collection method: research. Allele origin: germline.
Comment: Interrupts canonical donor splice site

Classified with v1.9 guidelines

PreventionGenetics, part of Exact Sciences
Classification: Pathogenic for PMS2-related condition. Last evaluated: 2026-08-21. Review status: criteria provided, single submitter. Criteria: ACMG Guidelines, 2015. Collection method: clinical testing. Allele origin: germline. Not counted in ClinVar's aggregate classification.
Comment: The PMS2 c.2174+1G>A variant is predicted to disrupt the GT donor site and interfere with normal splicing. This variant has been reported in individuals with Lynch syndrome (Senter et al. 2008. PubMed ID: 18602922; Wang et al. 2020. PubMed ID: 31992580) as well as individuals with colorectal, breast, ovarian, and pancreatic cancers (Table S1 - Susswein et al. 2015. PubMed ID: 26681312; Supporting Data - Tung et al. 2014. PubMed ID: 25186627; Brand et al. 2018. PubMed ID: 30067863). It has also been reported in the compound heterozygous and homozygous state in individuals with constitutional mismatch repair syndrome (Herkert et al. 2011. PubMed ID: 21376568). This variant is reported in 0.0033% of alleles in individuals of South Asian descent in gnomAD. This variant is interpreted as pathogenic in ClinVar (Variation ID: 91329). Variants that disrupt consensus GT donor sites in PMS2 are expected to be pathogenic. This variant is interpreted as pathogenic.

NHS Central & South Genomic Laboratory Hub
Classification: Pathogenic for Inherited MMR deficiency (Lynch syndrome). Last evaluated: 2026-05-30. Review status: criteria provided, single submitter. Criteria: ACMG Guidelines, 2015. Collection method: clinical testing. Allele origin: germline. Affected: yes. Not counted in ClinVar's aggregate classification.

Ambry Genetics
Classification: Pathogenic for Hereditary cancer-predisposing syndrome. Last evaluated: 2026-05-15. Review status: criteria provided, single submitter. Criteria: Ambry Variant Classification Scheme 2023. Collection method: clinical testing. Allele origin: germline. Not counted in ClinVar's aggregate classification.
Comment: The c.2174+1G>A intronic variant consists of a G to A substitution one nucleotide after exon 12 (coding exon 12) of the PMS2 gene. Variants that disrupt the canonical splice site are expected to result in aberrant splicing. A resulting transcript is predicted to be in-frame and is not expected to trigger nonsense-mediated mRNA decay, although direct evidence is unavailable. However, the region predicted to be impacted is critical for protein function (Ambry internal data). Based on data from gnomAD, the A allele has an overall frequency of 0.002% (4/244414) total alleles studied. The highest observed frequency was 0.003% (1/30070) of South Asian alleles. This variant has been detected in multiple individuals with hereditary non-polyposis colorectal cancer (HNPCC)/Lynch syndrome; several whose tumors demonstrated loss of PMS2 by immunohistochemistry (IHC) (Senter, 2008; (Brand, 2018; Wang, 2020). This variant has also been detected in the homozygous and compound heterozygous state in multiple patients with constitutional mismatch repair deficiency (CMMR-D) syndrome (Vaughn, 2010; Herkert, 2011). A splicing minigene assay and RNA analysis has demonstrated aberrant splicing (van der Klift, 2015). In silico splice site analysis predicts that this alteration will weaken the native splice donor site. Based on the available evidence, this alteration is classified as pathogenic.

Labcorp Genetics (formerly Invitae), Labcorp
Classification: Pathogenic for Hereditary nonpolyposis colorectal neoplasms. Last evaluated: 2025-12-16. Review status: criteria provided, single submitter. Criteria: Invitae Variant Classification Sherloc (09022015). Collection method: clinical testing. Allele origin: germline. Not counted in ClinVar's aggregate classification.
Comment: This sequence change affects a donor splice site in intron 12 of the PMS2 gene. RNA analysis indicates that disruption of this splice site induces altered splicing and likely results in a shortened protein product. The frequency data for this variant in the population databases (gnomAD) is considered unreliable due to the presence of homologous sequence, such as pseudogenes or paralogs, in the genome. Disruption of this splice site has been observed in individuals with colorectal cancer, breast cancer, ovarian cancer, pancreatic cancer, suspected Lynch syndrome, and constitutional mismatch repair deficiency syndrome (PMID: 18602922, 20205264, 21376568, 23012243, 25186627, 26110232, 26681312, 28135145, 30067863). Invitae Evidence Modeling of clinical and family history, age, sex, and reported ancestry of multiple individuals with this PMS2 variant has been performed. This variant is expected to be pathogenic with a positive predictive value of at least 99%. This is a validated machine learning model that incorporates the clinical features of 1,627,235 individuals referred to our laboratory for PMS2 testing. ClinVar contains an entry for this variant (Variation ID: 91329). Studies have shown that disruption of this splice site results in skipping of exon 12, but is expected to preserve the integrity of the reading-frame (PMID: 21376568, 26247049). This variant disrupts the MLH1 interaction domain of the PMS2 protein, which has been shown to be critical for PMS2-MLH1 dimerization (PMID: 10037723), and therefore mismatch repair activity (PMID: 16338176, 20533529). While functional studies have not been performed to directly test the effect of this variant on PMS2 protein function, this suggests that disruption of this region of the protein is causative of disease. For these reasons, this variant has been classified as Pathogenic.

CeGaT Center for Human Genetics Tuebingen
Classification: Pathogenic. Last evaluated: 2025-07-01. Review status: criteria provided, single submitter. Criteria: CeGaT Center For Human Genetics Tuebingen Variant Classification Criteria Version 2. Collection method: clinical testing. Allele origin: germline. Affected: yes. Observed: 6 variant alleles. Not counted in ClinVar's aggregate classification.
Comment: PMS2: PM3:Strong, PVS1:Strong, PM2

GeneDx
Classification: Pathogenic. Last evaluated: 2024-07-18. Review status: criteria provided, single submitter. Criteria: GeneDx Variant Classification Process June 2021. Collection method: clinical testing. Allele origin: germline. Affected: yes. Not counted in ClinVar's aggregate classification.
Comment: Canonical splice site variant demonstrated to cause aberrant splicing resulting in multiple transcripts in a gene for which loss of function is a known mechanism of disease (PMID: 21376568, 26247049); Identified in the heterozygous state in patients with Lynch syndrome-related cancers (PMID: 18602922, 20205264, 28135145, 31992580, 33194656); Truncating variants in this gene are considered pathogenic by a well-established clinical consortium and/or database; Not observed at significant frequency in large population cohorts (gnomAD); This variant is associated with the following publications: (PMID: 25525159, 18602922, 20205264, 26247049, 26681312, 28726808, 28135145, 25186627, 30067863, 31992580, 33194656, 30787465, 33087929, 38355628, 27435373, 26110232, 20533529, 23012243, 25980754, 38503638, 38344144, 37534630, 21376568)

Fulgent Genetics
Classification: Pathogenic for Lynch syndrome 4; Mismatch repair cancer syndrome 4. Last evaluated: 2024-03-22. Review status: criteria provided, single submitter. Criteria: ACMG Guidelines, 2015. Collection method: clinical testing. Allele origin: germline. Not counted in ClinVar's aggregate classification.

Baylor Genetics
Classification: Pathogenic for Lynch syndrome 4. Last evaluated: 2024-02-29. Review status: criteria provided, single submitter. Criteria: ACMG Guidelines, 2015. Collection method: clinical testing. Allele origin: unknown. Not counted in ClinVar's aggregate classification.

Department of Pathology and Laboratory Medicine, Sinai Health System
Classification: Pathogenic for Mismatch repair cancer syndrome 4. Last evaluated: 2023-05-24. Review status: criteria provided, single submitter. Criteria: ACMG Guidelines, 2015. Collection method: clinical testing. Allele origin: germline. Affected: yes. Not counted in ClinVar's aggregate classification.